The following is an entry in ClinVar:

ClinVar aggregate classification (germline): Benign (0 of 4 stars; one submission).

Conditions:
KCNB2-related disorder. Also called: KCNB2-related condition.

Allele frequency attached by ClinVar (database versions not stated): 1000 Genomes Project 30x 0.00874; 1000 Genomes Project 0.00978; TOPMed 0.01212; gnomAD 0.01225; ESP Exome Variant Server 0.01346.
gnomAD v4.1: 22,794 of 1,613,834 alleles (1.4%); highest among the groups gnomAD compares: Middle Eastern, 3.1%; 203 homozygotes.

Submission:

PreventionGenetics, part of Exact Sciences
Classification: Benign for KCNB2-related condition. Last evaluated: 2019-05-02. Review status: no assertion criteria provided. Collection method: clinical testing. Allele origin: germline.
Comment: This variant is classified as benign based on ACMG/AMP sequence variant interpretation guidelines (Richards et al. 2015 PMID: 25741868, with internal and published modifications).

NM_004770.3(KCNB2):c.2178A>C (p.Ala726=)

Gene: KCNB2 (potassium voltage-gated channel subfamily B member 2; plus strand). Cytogenetic location: 8q21.11.
Variant type: single nucleotide variant.
Coding change: c.2178A>C on transcript NM_004770.3 (MANE Select); coding-DNA position 2178, A replaced by C.
Protein change: p.Ala726=; no amino-acid change (alanine 726 retained).
Molecular consequence: synonymous variant.
Genome position (GRCh38, 1-based): chr8:72,937,533, A>C. VCF-style: chr8-72937533-A-C. GRCh37 (hg19) VCF-style: chr8-73849768-A-C.
Identifiers: ClinVar variation 3037129 (VCV003037129.2), dbSNP rs142525254, ClinGen allele CA4781723.
Genomic context (GRCh38, chr8:72,937,533, plus strand): 5'-CAGCAACCCACTAAAGTCCAGATCCCTCAAAGTGAACTTTAAGGAAAATAGAGGCAGTGC[A>C]CCACAGACCCCGCCCAGCACAGCCAGGCCACTGCCAGTCACCACAGCTGACTTTTCGCTC-3'
Protein context (NP_004761.2, residues 716-736): KVNFKENRGS[Ala726=]PQTPPSTARP